The following continues an entry in ClinVar:

NM_001012614.2(CTBP1):c.991C>T (p.Arg331Trp)

ClinVar aggregate classification (germline): Pathogenic. Pathogenic (13).

Submissions 9 to 14 of 14:

Illumina Laboratory Services, Illumina
Classification: Pathogenic for Hypotonia, ataxia, developmental delay, and tooth enamel defect syndrome. Last evaluated: 2020-10-27. Review status: criteria provided, single submitter. Criteria: ICSLVariantClassificationCriteria RUGD 01 April 2020. Collection method: clinical testing. Allele origin: unknown.
Comment: The CTBP1 c.1024C>T (p.(Arg342Trp) missense variant, also known as c.991C>T p.(Arg331Trp) has been identified in individuals with a phenotype consistent with hypotonia, ataxia, developmental delay, and tooth enamel defect syndrome (Beck et al. 2016; Sommerville et al. 2017; Beck et al. 2019). The c.1024C>T variant occurred de novo in all cases except for one individual, in whom the variant was inherited from their unaffected mother who was found to be low-level mosaic for the variant (Beck et al. 2016; Beck et al. 2019). This variant is not observed in version 2.1.1 of the Genome Aggregation Database. Modeling of the CtBP1-S protein, a short isoform of CtBP1, indicates the location of the p.(Arg331Trp) variant within the alpha-5 region, a C-terminal part of the PXDLS-binding cleft, which is important for recruiting various chromatin-modifying components and interacting with different transcriptional regulators (Beck et al. 2019). Beck et al. (2019) also found that patient fibroblasts carrying the variant were more susceptible to apoptotic cell death, and showed 30-fold higher Noxa protein expression, one of the known CtBP-target apoptotic genes, as compared to 8-fold higher expression in control fibroblasts during glucose deprivation. Based on the available evidence the c.1024C>T (p.(Arg342Trp) variant is classified as pathogenic for hypotonia, ataxia, developmental delay, and tooth enamel defect syndrome.

Institute of Medical Genetics and Applied Genomics, University Hospital Tübingen
Classification: Pathogenic. Last evaluated: 2020-10-23. Review status: criteria provided, single submitter. Criteria: ACMG Guidelines, 2015. Collection method: clinical testing. Allele origin: germline. Inheritance: Unknown mechanism. Affected: yes.

Labcorp Genetics (formerly Invitae), Labcorp
Classification: Pathogenic. Last evaluated: 2020-04-18. Review status: criteria provided, single submitter. Criteria: Invitae Variant Classification Sherloc (09022015). Collection method: clinical testing. Allele origin: germline.
Comment: This sequence change replaces arginine with tryptophan at codon 342 of the CTBP1 protein (p.Arg342Trp). The arginine residue is highly conserved and there is a moderate physicochemical difference between arginine and tryptophan. This variant is not present in population databases (ExAC no frequency). This variant has been observed in individual(s) with hypotonia, ataxia, developmental delay, and tooth enamel defect syndrome (PMID: 31041561, 29878067, 28955726, 27094857). In at least one individual the variant was observed to be de novo. This variant is also known as c.991C>T (p.R331W) in the literature. ClinVar contains an entry for this variant (Variation ID: 225758). This variant has been reported to affect CTBP1 protein function (PMID: 31041561). For these reasons, this variant has been classified as Pathogenic.

Revvity Omics, Revvity
Classification: Pathogenic for Hypotonia, ataxia, developmental delay, and tooth enamel defect syndrome. Last evaluated: 2019-01-08. Review status: criteria provided, single submitter. Criteria: ACMG Guidelines, 2015. Collection method: clinical testing. Allele origin: germline.

Ambry Genetics
Classification: Pathogenic for Inborn genetic diseases. Last evaluated: 2016-04-27. Review status: criteria provided, single submitter. Criteria: Ambry exome assertion method (8-5-2015). Collection method: clinical testing. Allele origin: germline. Affected: yes. Observed: 1 variant allele.

OMIM
Classification: Pathogenic for HYPOTONIA, ATAXIA, DEVELOPMENTAL DELAY, AND TOOTH ENAMEL DEFECT SYNDROME. Last evaluated: 2018-03-28. Review status: no assertion criteria provided. Collection method: literature only. Allele origin: unknown. Not counted in ClinVar's aggregate classification.

Literature cited by the submitters: PubMed 27094857 (cited by 4 submitters); PubMed 31041561 (cited by 3 submitters); PubMed 28955726 (cited by New York Genome Center and Labcorp Genetics (formerly Invitae), Labcorp); PubMed 29878067 (cited by Labcorp Genetics (formerly Invitae), Labcorp).